The following is an entry in ClinVar:

NM_005591.4(MRE11):c.1114G>C (p.Gly372Arg)

Gene: MRE11 (MRE11 double strand break repair nuclease; minus strand). Cytogenetic location: 11q21.
Variant type: single nucleotide variant.
Coding change: c.1114G>C on transcript NM_005591.4 (MANE Select); coding-DNA position 1114, G replaced by C.
Protein change: p.Gly372Arg; replaces glycine 372 with arginine.
Molecular consequence: missense variant.
Genome position (GRCh38, 1-based): chr11:94,464,224, C>G on the plus strand (G>C on the coding strand, the complement: MRE11 is on the minus strand). VCF-style: chr11-94464224-C-G. GRCh37 (hg19) VCF-style: chr11-94197390-C-G.
Other names: c.1114G>C, p.Gly372Arg (NM_001330347.2, NM_001440460.1, NM_001440461.1 and 15 more transcripts); c.1039G>C, p.Gly347Arg (NM_001440471.1, NM_001440472.1, NM_001440479.1); c.1033G>C, p.Gly345Arg (NM_001440473.1, NM_001440477.1, NM_001440478.1); c.769G>C, p.Gly257Arg (NM_001440482.1, NM_001440483.1, NM_001440484.1); c.646G>C, p.Gly216Arg (NM_001440485.1, NM_001440486.1, NM_001440487.1); short protein forms G345R, G372R, G257R, G216R, G347R.
Identifiers: ClinVar variation 4651145 (VCV004651145.1).
Genomic context (GRCh38, chr11:94,464,224, plus strand): 5'-GATTAGCTACCCGATCCACAAATTTCTGGCTAAAGCGAAGAACACTGAAAGGTTCAAAAC[C>G]TCCACTATAGTCCACCTGAAAACACAGAATAATCTATGAACGCTAGGAAACAACAATTTG-3'
Protein context (NP_005582.1, residues 362-382): LVRLRVDYSG[Gly372Arg]FEPFSVLRFS

ClinVar aggregate classification (germline): Uncertain significance (1 of 4 stars; one submission).

Conditions:
Hereditary cancer-predisposing syndrome. Also called: Neoplastic Syndromes, Hereditary; Tumor predisposition; Hereditary Cancer Syndrome; Hereditary neoplastic syndrome. Identifiers: Orphanet 140162, MedGen C0027672, MeSH D009386, MONDO:0015356.

Submission:

Ambry Genetics
Classification: Uncertain significance for Hereditary cancer-predisposing syndrome. Last evaluated: 2025-11-11. Review status: criteria provided, single submitter. Criteria: Ambry Variant Classification Scheme 2023. Collection method: clinical testing. Allele origin: germline.
Comment: The p.G372R variant (also known as c.1114G>C), located in coding exon 10 of the MRE11A gene, results from a G to C substitution at nucleotide position 1114. The glycine at codon 372 is replaced by arginine, an amino acid with dissimilar properties. This amino acid position is conserved. In addition, the in silico prediction for this alteration is inconclusive. Based on the available evidence, the clinical significance of this variant remains unclear.